The following is an entry in ClinVar:

NM_005359.6(SMAD4):c.1001A>G (p.Gln334Arg)

Gene: SMAD4 (SMAD family member 4; plus strand). Cytogenetic location: 18q21.2.
Variant type: single nucleotide variant.
Coding change: c.1001A>G on transcript NM_005359.6 (MANE Select); coding-DNA position 1001, A replaced by G.
Protein change: p.Gln334Arg; replaces glutamine 334 with arginine.
Molecular consequence: missense variant. On other transcripts: non-coding transcript variant (2).
Genome position (GRCh38, 1-based): chr18:51,065,468, A>G. VCF-style: chr18-51065468-A-G. GRCh37 (hg19) VCF-style: chr18-48591838-A-G.
Other names: c.1001A>G, p.Gln334Arg (NM_001407041.1, NM_001407042.1, NM_001407043.1); short protein forms Q334R.
Identifiers: ClinVar variation 2754209 (VCV002754209.3), dbSNP rs2144446646, ClinGen allele CA402464180.

ClinVar aggregate classification (germline): Uncertain significance (1 of 4 stars; one submission).

Conditions:
Juvenile polyposis syndrome (JPS). Identifiers: Orphanet 2929, MedGen C0345893, MONDO:0017380, OMIM 174900.

Submission:

Labcorp Genetics (formerly Invitae), Labcorp
Classification: Uncertain significance for Juvenile polyposis syndrome. Last evaluated: 2023-08-20. Review status: criteria provided, single submitter. Criteria: Invitae Variant Classification Sherloc (09022015). Collection method: clinical testing. Allele origin: germline.
Comment: In summary, the available evidence is currently insufficient to determine the role of this variant in disease. Therefore, it has been classified as a Variant of Uncertain Significance. Algorithms developed to predict the effect of sequence changes on RNA splicing suggest that this variant may disrupt the consensus splice site. Advanced modeling of protein sequence and biophysical properties (such as structural, functional, and spatial information, amino acid conservation, physicochemical variation, residue mobility, and thermodynamic stability) has been performed at Invitae for this missense variant, however the output from this modeling did not meet the statistical confidence thresholds required to predict the impact of this variant on SMAD4 protein function. This variant has not been reported in the literature in individuals affected with SMAD4-related conditions. This variant is not present in population databases (gnomAD no frequency). This sequence change replaces glutamine, which is neutral and polar, with arginine, which is basic and polar, at codon 334 of the SMAD4 protein (p.Gln334Arg).